The following is an entry in ClinVar:

NM_182916.3(TRNT1):c.821G>C (p.Ser274Thr)

Gene: TRNT1 (tRNA nucleotidyl transferase 1; plus strand). Cytogenetic location: 3p26.2.
Variant type: single nucleotide variant.
Coding change: c.821G>C on transcript NM_182916.3 (MANE Select); coding-DNA position 821, G replaced by C.
Protein change: p.Ser274Thr; replaces serine 274 with threonine.
Molecular consequence: missense variant. On other transcripts: non-coding transcript variant (8).
Genome position (GRCh38, 1-based): chr3:3,147,468, G>C. VCF-style: chr3-3147468-G-C. GRCh37 (hg19) VCF-style: chr3-3189152-G-C.
Other names: c.761G>C, p.Ser254Thr (NM_001302946.2); c.821G>C, p.Ser274Thr (NM_001367321.1, NM_001367322.1, NM_001367323.1); short protein forms S254T, S274T.
Identifiers: ClinVar variation 1702640 (VCV001702640.2), dbSNP rs762709856, ClinGen allele CA2228806.

ClinVar aggregate classification (germline): Uncertain significance (1 of 4 stars; one submission).

Allele frequency attached by ClinVar (database versions not stated): gnomAD exomes below 0.00001 and 0.00002; TOPMed below 0.00001; ExAC 0.00001; gnomAD 0.00001.
gnomAD v4.1: 26 of 1,613,428 alleles (0.0016%); highest among the groups gnomAD compares: Non-Finnish European, 0.0022%; no homozygotes.

Submission:

GeneDx
Classification: Uncertain significance. Last evaluated: 2022-08-17. Review status: criteria provided, single submitter. Criteria: GeneDx Variant Classification Process June 2021. Collection method: clinical testing. Allele origin: germline. Affected: yes.
Comment: Not observed at significant frequency in large population cohorts (gnomAD); In silico analysis supports that this missense variant does not alter protein structure/function; Has not been previously published as pathogenic or benign to our knowledge